The following is an entry in ClinVar:

ClinVar aggregate classification (germline): Uncertain significance (1 of 4 stars; one submission).

Allele frequency attached by ClinVar (database versions not stated): gnomAD exomes 0.00001.
gnomAD v4.1: 4 of 1,614,008 alleles (0.00025%); highest among the groups gnomAD compares: Non-Finnish European, 0.00034%; no homozygotes.

Submission:

Athena Diagnostics
Classification: Uncertain significance. Last evaluated: 2025-11-05. Review status: criteria provided, single submitter. Criteria: Athena Diagnostics Criteria. Collection method: clinical testing. Allele origin: unknown.
Comment: Available data are insufficient to determine the clinical significance of the variant at this time. This variant has not been reported in large, multi-ethnic general populations. This variant has been identified in at least one individual with clinical features associated with this gene. Polyphen and MutationTaster predict this amino acid change may be benign.

NM_002739.5(PRKCG):c.881A>T (p.Asp294Val)

Gene: PRKCG (protein kinase C gamma; plus strand). Cytogenetic location: 19q13.42.
Variant type: single nucleotide variant.
Coding change: c.881A>T on transcript NM_002739.5 (MANE Select); coding-DNA position 881, A replaced by T.
Protein change: p.Asp294Val; replaces aspartic acid 294 with valine.
Molecular consequence: missense variant.
Genome position (GRCh38, 1-based): chr19:53,893,047, A>T. VCF-style: chr19-53893047-A-T. GRCh37 (hg19) VCF-style: chr19-54396301-A-T.
Other names: c.881A>T, p.Asp294Val (NM_001316329.2); short protein forms D294V.
Identifiers: ClinVar variation 1807562 (VCV001807562.2), dbSNP rs2514560463, ClinGen allele CA407417018.